The following is an entry in ClinVar:

NM_001367823.1(ARHGEF18):c.3659G>T (p.Ser1220Ile)

Gene: ARHGEF18 (Rho/Rac guanine nucleotide exchange factor 18; plus strand). Cytogenetic location: 19p13.2.
Variant type: single nucleotide variant.
Coding change: c.3659G>T on transcript NM_001367823.1 (MANE Select); coding-DNA position 3659, G replaced by T.
Protein change: p.Ser1220Ile; replaces serine 1220 with isoleucine.
Molecular consequence: missense variant.
Genome position (GRCh38, 1-based): chr19:7,469,003, G>T. VCF-style: chr19-7469003-G-T. GRCh37 (hg19) VCF-style: chr19-7533889-G-T.
Other names: c.2933G>T, p.Ser978Ile (NM_001130955.2); c.2621G>T, p.Ser874Ile (NM_001367824.1, NM_015318.4); short protein forms S978I, S1220I, S874I.
Identifiers: ClinVar variation 2795222 (VCV002795222.3), dbSNP rs2512352559, ClinGen allele CA403093257.
Genomic context (GRCh38, chr19:7,469,003, plus strand): 5'-GGGACAGCGCCCCCACCGAGAACCGGCTGGCCAAGAGCGATGTGCCCATCCAGCTGCTCA[G>T]CGCCACCAACCAGTTCCAGAGGCAGGCGGCCGTGCAGCAGCAGATCCCCACCAAGCTGGC-3'
Protein context (NP_001354752.1, residues 1210-1230): AKSDVPIQLL[Ser1220Ile]ATNQFQRQAA

ClinVar aggregate classification (germline): Uncertain significance (1 of 4 stars; one submission).

gnomAD v4.1: 2 of 1,597,514 alleles (0.00013%); highest among the groups gnomAD compares: Non-Finnish European, 0.00017%; no homozygotes.

Submission:

Labcorp Genetics (formerly Invitae), Labcorp
Classification: Uncertain significance. Last evaluated: 2023-09-01. Review status: criteria provided, single submitter. Criteria: Invitae Variant Classification Sherloc (09022015). Collection method: clinical testing. Allele origin: germline.
Comment: In summary, the available evidence is currently insufficient to determine the role of this variant in disease. Therefore, it has been classified as a Variant of Uncertain Significance. An algorithm developed to predict the effect of missense changes on protein structure and function (PolyPhen-2) suggests that this variant is likely to be disruptive. This variant has not been reported in the literature in individuals affected with ARHGEF18-related conditions. This variant is not present in population databases (gnomAD no frequency). This sequence change replaces serine, which is neutral and polar, with isoleucine, which is neutral and non-polar, at codon 1032 of the ARHGEF18 protein (p.Ser1032Ile).